The following is an entry in ClinVar:

ClinVar aggregate classification (germline): Likely benign (0 of 4 stars; one submission).

Conditions:
BBIP1-related disorder. Also called: BBIP1-related condition.

Allele frequency attached by ClinVar (database versions not stated): gnomAD 0.00005; TOPMed 0.00006; gnomAD exomes 0.00008; ExAC 0.00033.
gnomAD v4.1: 54 of 702,506 alleles (0.0077%); highest among the groups gnomAD compares: South Asian, 0.024%; no homozygotes.

Submission:

PreventionGenetics, part of Exact Sciences
Classification: Likely benign for BBIP1-related condition. Last evaluated: 2024-04-26. Review status: no assertion criteria provided. Collection method: clinical testing. Allele origin: germline.
Comment: This variant is classified as likely benign based on ACMG/AMP sequence variant interpretation guidelines (Richards et al. 2015 PMID: 25741868, with internal and published modifications).

NM_001195305.3(BBIP1):c.38-6145A>G

Gene: BBIP1 (BBSome interacting protein 1; minus strand). Cytogenetic location: 10q25.2.
Variant type: single nucleotide variant.
Coding change: c.38-6145A>G on transcript NM_001195305.3 (MANE Select); 6145 bases into the intron before coding-DNA position 38, A replaced by G.
Molecular consequence: intron variant. On other transcripts: synonymous variant (1).
Genome position (GRCh38, 1-based): chr10:110,907,757, T>C on the plus strand (A>G on the coding strand, the complement: BBIP1 is on the minus strand). VCF-style: chr10-110907757-T-C. GRCh37 (hg19) VCF-style: chr10-112667515-T-C.
Other names: c.117A>G, p.Gln39= (NM_001195304.2); c.38-6145A>G (NM_001195306.2); c.-29-6145A>G (NM_001243783.3); c.38-7231A>G (NM_001195307.2).
Identifiers: ClinVar variation 2634100 (VCV002634100.2), dbSNP rs753077540, ClinGen allele CA5689342.